The following is an entry in ClinVar:

NM_004360.5(CDH1):c.48+83C>T

Gene: CDH1 (cadherin 1; plus strand). Cytogenetic location: 16q22.1.
Variant type: single nucleotide variant.
Coding change: c.48+83C>T on transcript NM_004360.5 (MANE Select); 83 bases into the intron after coding-DNA position 48, C replaced by T.
Molecular consequence: intron variant.
Genome position (GRCh38, 1-based): chr16:68,737,546, C>T. VCF-style: chr16-68737546-C-T. GRCh37 (hg19) VCF-style: chr16-68771449-C-T.
Other names: c.-1568+83C>T (NM_001317185.2); c.-1772+83C>T (NM_001317186.2); c.48+83C>T (NM_001317184.2).
Identifiers: ClinVar variation 2502963 (VCV002502963.1), dbSNP rs1362287717, ClinGen allele CA723157051.

ClinVar aggregate classification (germline): Uncertain significance (1 of 4 stars; one submission).

Conditions:
Hereditary diffuse gastric adenocarcinoma (HDGC). Also called: DIFFUSE GASTRIC AND LOBULAR BREAST CANCER SYNDROME. Identifiers: Orphanet 26106, MedGen C1708349, MONDO:0007648, OMIM 137215.

Submission:

European Reference Network on Genetic Tumour Risk Syndromes (ERN-GENTURIS), i3s - Instituto de Investigação e Inovação em Saúde, University of Porto
Classification: Uncertain significance for Hereditary diffuse gastric adenocarcinoma. Last evaluated: 2022-08-01. Review status: criteria provided, single submitter. Criteria: Lee et al. (Hum Mutat. 2018). Collection method: clinical testing. Allele origin: germline. Inheritance: Autosomal dominant inheritance. Affected: no. Study: ERN GENTURIS.
Comment: PM2 (PMID: 30311375)

Literature cited by the submitters: PubMed 36436516.